The following is an entry in ClinVar:

ClinVar aggregate classification (germline): Uncertain significance (1 of 4 stars; one submission).

Submission:

ARUP Laboratories, Molecular Genetics and Genomics, ARUP Laboratories
Classification: Uncertain significance. Last evaluated: 2025-03-24. Review status: criteria provided, single submitter. Criteria: ARUP Molecular Germline Variant Investigation Process 2024. Collection method: clinical testing. Allele origin: germline.
Comment: The PIEZO1 c.4399_4400insGGCAGG; p.Gln1466_Glu1467insGlyGln variant (rs771103464), to our knowledge, is not reported in the medical literature or gene specific databases. This variant is only observed on four alleles in the Genome Aggregation Database (v2.1.1), indicating it is not a common polymorphism. This variant inserts two amino acids leaving the rest of the protein in-frame. Due to limited information, the clinical significance of this variant is uncertain at this time.

NM_001142864.4(PIEZO1):c.4399_4400insGGCAGG (p.Gln1466_Glu1467insGlyGln)

Gene: PIEZO1 (piezo type mechanosensitive ion channel component 1 (Er blood group); minus strand). Cytogenetic location: 16q24.3.
Variant type: Insertion.
Coding change: c.4399_4400insGGCAGG on transcript NM_001142864.4 (MANE Select); coding-DNA positions 4399 to 4400, GGCAGG inserted.
Protein change: p.Gln1466_Glu1467insGlyGln.
Molecular consequence: inframe insertion.
Genome position: GRCh38 VCF-style: chr16-88723264-T-TCCTGCC. GRCh37 (hg19) VCF-style: chr16-88789672-T-TCCTGCC.
Identifiers: ClinVar variation 4685711 (VCV004685711.1).